The following is an entry in ClinVar:

NM_000784.4(CYP27A1):c.435G>T (p.Gly145=)

Gene: CYP27A1 (cytochrome P450 family 27 subfamily A member 1; plus strand). Cytogenetic location: 2q35.
Variant type: single nucleotide variant.
Coding change: c.435G>T on transcript NM_000784.4 (MANE Select); coding-DNA position 435, G replaced by T.
Protein change: p.Gly145=; no amino-acid change (glycine 145 retained).
Molecular consequence: synonymous variant.
Genome position (GRCh38, 1-based): chr2:218,809,756, G>T. VCF-style: chr2-218809756-G-T. GRCh37 (hg19) VCF-style: chr2-219674479-G-T.
Other names: c.435G>T.
Identifiers: ClinVar variation 65869 (VCV000065869.26), dbSNP rs587778796, ClinGen allele CA345201.
Genomic context (GRCh38, chr2:218,809,756, plus strand): 5'-AGTACGGAACGACATGGAGCTATGGAAGGAGCACCGGGACCAGCACGACCTGACCTATGG[G>T]CCGTTCACCACGTGAGCTGGGGCCTGAAGGGACTGGAACAGGGCCCCAGAGGGCCAGGGC-3'
Protein context (NP_000775.1, residues 135-155): EHRDQHDLTY[Gly145=]PFTTEGHHWY

ClinVar aggregate classification (germline): Pathogenic/Likely pathogenic. Review status: criteria provided, multiple submitters, no conflicts (2 of 4 stars). 8 submissions from 8 submitters: Pathogenic (3); Likely pathogenic (2). 3 of the submissions do not count toward it. Last evaluated 2025-06-13.

Conditions:
CYP27A1-related disorder. Also called: CYP27A1-related condition.
Cholestanol storage disease (CTX). Also called: Cerebrotendinous Xanthomatosis; CEREBRAL CHOLESTERINOSIS; CTX: Cerebrotendinous xanthomatosis. Identifiers: Orphanet 909, MedGen C0238052, MONDO:0008948, OMIM 213700.

Allele frequency attached by ClinVar (database versions not stated): ExAC 0.00005; gnomAD 0.00001; TOPMed 0.00003.
gnomAD v4.1: 15 of 1,613,166 alleles (0.00093%); highest among the groups gnomAD compares: East Asian, 0.033%; no homozygotes.

Submissions (8):

Natera, Inc.
Classification: Pathogenic for Cerebrotendinous xanthomatosis. Last evaluated: 2025-06-13. Review status: criteria provided, single submitter. Criteria: Natera Variant Classification Schema (03/2026). Collection method: clinical testing. Allele origin: germline.
Comment: The c.435G>T variant in CYP27A1 is a synonymous variant that does not alter the encoded amino acid at position 145 (p.G145=). This variant is rare in the general population with a frequency below the threshold expected for the associated phenotype(s). This variant has been observed in one or more individuals affected with the associated recessive disease, as either homozygous or compound heterozygous with a second variant (PMID: 9521761, 31796091, 33313117, 33269283). Additionally, this variant has been observed to segregate in affected family members (PMID: 9521761). Functional studies show that this variant may disrupt protein function (PMID: 9521761). Given the available evidence, this variant is classified as Pathogenic.

Labcorp Genetics (formerly Invitae), Labcorp
Classification: Pathogenic for Cholestanol storage disease. Last evaluated: 2024-06-23. Review status: criteria provided, single submitter. Criteria: Invitae Variant Classification Sherloc (09022015). Collection method: clinical testing. Allele origin: germline.
Comment: This sequence change affects codon 145 of the CYP27A1 mRNA. It is a 'silent' change, meaning that it does not change the encoded amino acid sequence of the CYP27A1 protein. RNA analysis indicates that this variant induces altered splicing and may result in an absent or disrupted protein product. This variant is present in population databases (rs587778796, gnomAD 0.04%). This variant has been observed in individuals with cerebrotendinous xanthomatosis (PMID: 9521761, 29321515). It has also been observed to segregate with disease in related individuals. This variant is also known as Gly112Gly. ClinVar contains an entry for this variant (Variation ID: 65869). Studies have shown that this variant results in alternative splicing and introduces a premature termination codon (PMID: 9521761). The resulting mRNA is expected to undergo nonsense-mediated decay. For these reasons, this variant has been classified as Pathogenic.

Fulgent Genetics
Classification: Likely pathogenic for Cholestanol storage disease. Last evaluated: 2024-05-08. Review status: criteria provided, single submitter. Criteria: ACMG Guidelines, 2015. Collection method: clinical testing. Allele origin: germline.

Soonchunhyang University Bucheon Hospital, Soonchunhyang University Medical Center
Classification: Likely pathogenic for Cholestanol storage disease. Last evaluated: 2016-03-18. Review status: criteria provided, single submitter. Criteria: ACMG Guidelines, 2015. Collection method: reference population. Allele origin: germline. Observed: 1 variant allele.

Juno Genomics, Hangzhou Juno Genomics, Inc
Classification: Pathogenic for Cholestanol storage disease. Review status: criteria provided, single submitter. Criteria: ACMG Guidelines, 2015. Collection method: clinical testing. Allele origin: germline.
Comment: Absent from controls (or at extremely low frequency if recessive) in Genome Aggregation Database.;Null variant in a gene where loss of function (LOF) is a known mechanism of disease.;For recessive disorders, detected in trans with a pathogenic variant.;Co-segregation with disease in multiple affected family members.

PreventionGenetics, part of Exact Sciences
Classification: Likely pathogenic for CYP27A1-related condition. Last evaluated: 2024-02-14. Review status: no assertion criteria provided. Collection method: clinical testing. Allele origin: germline. Not counted in ClinVar's aggregate classification.
Comment: The CYP27A1 c.435G>T variant is not predicted to result in an amino acid change (p.=). This variant is predicted to alter splicing based on available splicing prediction programs (SpliceAI, Jaganathan et al. 2019. PubMed ID: 30661751) and a RT-PCR study showed this variant impacts mRNA splicing leading to a cryptic GT Donor site (Figure 5, Chen et al. 1998. PubMed ID: 9521761). This variant has been reported in the homozygous and compound heterozygous states in multiple individuals with cerebrotendinous xanthomatosis (Figure 5, Chen et al. 1998. PubMed ID: 9521761; Figure 2, Tang et al. 2020. PubMed ID: 31914338; Figure 1, Cao et al. 2020. PubMed ID: 33269283). This variant is reported in 0.033% of alleles in individuals of East Asian descent in gnomAD. It has also been described as one of the most common variants observed in Japanese individuals with cerebrotendinous xanthomatosis (Sekijima et al. 2018. PubMed ID: 29321515). This variant is interpreted as likely pathogenic.

Counsyl
Classification: Uncertain significance for Cholestanol storage disease. Last evaluated: 2017-05-09. Review status: no assertion criteria provided. Collection method: clinical testing. Allele origin: unknown. Not counted in ClinVar's aggregate classification.

GeneReviews
Classification: Pathogenic for Cerebrotendinous Xanthomatosis. Last evaluated: 2013-08-01. Review status: no assertion criteria provided. Collection method: curation. Allele origin: unknown. Not counted in ClinVar's aggregate classification.
ClinVar note: Converted during submission from pathologic to Pathogenic.

Literature cited by the submitters: PubMed 9521761 (cited by 4 submitters); PubMed 31796091 (cited by Natera, Inc.); PubMed 33313117 (cited by Natera, Inc.); PubMed 33269283 (cited by Natera, Inc.); PubMed 29321515 (cited by Labcorp Genetics (formerly Invitae), Labcorp); PubMed 26643207 (cited by Counsyl).